The following is an entry in ClinVar:

NM_022482.5(GZF1):c.992G>A (p.Ser331Asn)

Gene: GZF1 (GDNF inducible zinc finger protein 1; plus strand). Cytogenetic location: 20p11.21.
Variant type: single nucleotide variant.
Coding change: c.992G>A on transcript NM_022482.5 (MANE Select); coding-DNA position 992, G replaced by A.
Protein change: p.Ser331Asn; replaces serine 331 with asparagine.
Molecular consequence: missense variant.
Genome position (GRCh38, 1-based): chr20:23,365,375, G>A. VCF-style: chr20-23365375-G-A. GRCh37 (hg19) VCF-style: chr20-23346012-G-A.
Other names: c.992G>A, p.Ser331Asn (NM_001317012.2, NM_001317019.1); short protein forms S331N.
Identifiers: ClinVar variation 1416665 (VCV001416665.6), dbSNP rs2123041982, ClinGen allele CA408410797.

ClinVar aggregate classification (germline): Uncertain significance (1 of 4 stars; one submission).

Submission:

Labcorp Genetics (formerly Invitae), Labcorp
Classification: Uncertain significance. Last evaluated: 2024-02-24. Review status: criteria provided, single submitter. Criteria: Invitae Variant Classification Sherloc (09022015). Collection method: clinical testing. Allele origin: germline.
Comment: This sequence change replaces serine with asparagine at codon 331 of the GZF1 protein (p.Ser331Asn). The serine residue is moderately conserved and there is a small physicochemical difference between serine and asparagine. This variant is not present in population databases (gnomAD no frequency). This variant has not been reported in the literature in individuals affected with GZF1-related conditions. ClinVar contains an entry for this variant (Variation ID: 1416665). An algorithm developed to predict the effect of missense changes on protein structure and function (PolyPhen-2) suggests that this variant is likely to be disruptive. In summary, the available evidence is currently insufficient to determine the role of this variant in disease. Therefore, it has been classified as a Variant of Uncertain Significance.